The following is an entry in ClinVar:

NM_003560.4(PLA2G6):c.2098C>T (p.Gln700Ter)

Gene: PLA2G6 (phospholipase A2 group VI; minus strand). Cytogenetic location: 22q13.1.
Variant type: single nucleotide variant.
Coding change: c.2098C>T on transcript NM_003560.4 (MANE Select); coding-DNA position 2098, C replaced by T.
Protein change: p.Gln700Ter; replaces glutamine 700 with a stop codon.
Molecular consequence: nonsense.
Genome position (GRCh38, 1-based): chr22:38,113,591, G>A on the plus strand (C>T on the coding strand, the complement: PLA2G6 is on the minus strand). VCF-style: chr22-38113591-G-A. GRCh37 (hg19) VCF-style: chr22-38509598-G-A.
Other names: NM_003560.4(PLA2G6):c.2098C>T; p.Gln700Ter; c.1936C>T, p.Gln646Ter (NM_001004426.3, NM_001199562.3, NM_001349865.2 and 1 more transcripts); c.2098C>T, p.Gln700Ter (NM_001349864.2); c.1564C>T, p.Gln522Ter (NM_001349867.2); c.1420C>T, p.Gln474Ter (NM_001349868.2); c.1402C>T, p.Gln468Ter (NM_001349869.2); short protein forms Q700*, Q468*, Q474*, Q646*, Q522*.
Identifiers: ClinVar variation 159758 (VCV000159758.48), dbSNP rs587784346, ClinGen allele CA173251.

ClinVar aggregate classification (germline): Conflicting classifications of pathogenicity. Review status: criteria provided, conflicting classifications (1 of 4 stars). 7 submissions from 7 submitters: Pathogenic (6); Uncertain significance (1). Last evaluated 2026-01-07.

Conditions:
PLA2G6-associated neurodegeneration (PLAN). Also called: phospholipase A2-associated neurodegeneration. Identifiers: Orphanet 329303, MedGen CN204472, MONDO:0017998.
Autosomal recessive Parkinson disease 14. Also called: DYSTONIA-PARKINSONISM, ADULT-ONSET; PARKINSON DISEASE 14. Identifiers: Orphanet 199351, MedGen C2751842, MONDO:0013060, OMIM 612953.
Infantile neuroaxonal dystrophy (NBIA2A). Also called: SEITELBERGER DISEASE; NEURODEGENERATION WITH BRAIN IRON ACCUMULATION 2A; Infantile neuroaxonal dystrophy 1. Identifiers: Orphanet 35069, MedGen C0270724, MONDO:0024457, OMIM 256600.
Neurodegeneration with brain iron accumulation 2B. Also called: NEUROAXONAL DYSTROPHY, ATYPICAL; NEURODEGENERATION WITH BRAIN IRON ACCUMULATION, PLA2G6-RELATED; aNAD; atypical Neuroaxonal Dystrophy (aNAD). Identifiers: Orphanet 35069, MedGen C1857747, MONDO:0012444, OMIM 610217.
Iron accumulation in brain. Identifiers: MedGen C4021076, HP:0012675.

Allele frequency attached by ClinVar (database versions not stated): gnomAD exomes below 0.00001; ExAC 0.00001.
gnomAD v4.1: 2 of 1,613,672 alleles (0.00012%); highest among the groups gnomAD compares: Non-Finnish European, 0.00017%; no homozygotes.

Submissions (7):

3billion
Classification: Pathogenic for Infantile neuroaxonal dystrophy. Last evaluated: 2026-01-07. Review status: criteria provided, single submitter. Criteria: ACMG Guidelines, 2015. Collection method: clinical testing. Allele origin: germline. Affected: yes.
Comment: The variant is observed at an extremely low frequency in the gnomAD v4.1.0 dataset (total allele frequency: <0.001%). Predicted Consequence/Location: Stop-gained (nonsense): predicted to result in a loss or disruption of normal protein function through nonsense-mediated decay (NMD) or protein truncation. Multiple pathogenic variants are reported downstream of the variant. The variant has been reported at least twice as pathogenic without evidence for the classification (ClinVar ID: VCV000159758 /PMID: 27848944). Therefore, this variant is classified as Pathogenic according to the recommendation of ACMG/AMP guideline.

Fulgent Genetics
Classification: Pathogenic for Infantile neuroaxonal dystrophy; Neurodegeneration with brain iron accumulation 2B; Autosomal recessive Parkinson disease 14. Last evaluated: 2024-01-28. Review status: criteria provided, single submitter. Criteria: ACMG Guidelines, 2015. Collection method: clinical testing. Allele origin: germline.

Labcorp Genetics (formerly Invitae), Labcorp
Classification: Pathogenic for Infantile neuroaxonal dystrophy. Last evaluated: 2024-01-04. Review status: criteria provided, single submitter. Criteria: Invitae Variant Classification Sherloc (09022015). Collection method: clinical testing. Allele origin: germline.
Comment: This sequence change creates a premature translational stop signal (p.Gln700*) in the PLA2G6 gene. It is expected to result in an absent or disrupted protein product. Loss-of-function variants in PLA2G6 are known to be pathogenic (PMID: 16783378, 18570303, 18799783, 22213678). This variant is present in population databases (rs587784346, gnomAD 0.0009%). This premature translational stop signal has been observed in individual(s) with PLA2G6-related conditions (PMID: 27848944). ClinVar contains an entry for this variant (Variation ID: 159758). For these reasons, this variant has been classified as Pathogenic.

Broad Center for Mendelian Genomics, Broad Institute of MIT and Harvard
Classification: Pathogenic for PLA2G6-associated neurodegeneration. Last evaluated: 2023-01-24. Review status: criteria provided, single submitter. Criteria: ACMG Guidelines, 2015. Collection method: curation. Allele origin: germline. Inheritance: Autosomal recessive inheritance.
Comment: The p.Gln700Ter variant in PLA2G6 has been reported in 2 individuals with PLA2G6-associated neurodegeneration (PMID: 27848944, 23100014) and has been identified in 0.0009% (1/113726) of European (non-Finnish) chromosomes by the Genome Aggregation Database (gnomAD; dbSNP ID: rs587784346). Although this variant has been seen in the general population in a heterozygous state, its frequency is low enough to be consistent with a recessive carrier frequency. This variant has also been reported in ClinVar (Variation ID#: 159758) and has been interpreted as pathogenic by Genetic Services Laboratory (University of Chicago) and PerkinElmer Genomics. Of the 2 affected individuals, both of them were homozygotes, which increases the likelihood that the p.Gln700Ter variant is pathogenic (PMID: 27848944, 23100014). This nonsense variant leads to a premature termination codon at position 700, which is predicted to lead to a truncated or absent protein. Loss of function of the PLA2G6 gene is an established disease mechanism in autosomal recessive PLA2G6-associated neurodegeneration. In summary, this variant meets criteria to be classified as pathogenic for autosomal recessive PLA2G6-associated neurodegeneration. ACMG/AMP Criteria applied: PVS1, PM3, PM2_supporting (Richards 2015).

CeGaT Center for Human Genetics Tuebingen
Classification: Uncertain significance. Last evaluated: 2022-07-01. Review status: criteria provided, single submitter. Criteria: CeGaT Center For Human Genetics Tuebingen Variant Classification Criteria Version 2. Collection method: clinical testing. Allele origin: germline. Affected: yes. Observed: 2 variant alleles.
Comment: PLA2G6: PM2, PVS1:Moderate, PP4

Revvity Omics, Revvity
Classification: Pathogenic. Last evaluated: 2019-07-09. Review status: criteria provided, single submitter. Criteria: ACMG Guidelines, 2015. Collection method: clinical testing. Allele origin: germline.

Genetic Services Laboratory, University of Chicago
Classification: Pathogenic for iron accumulation in brain. Last evaluated: 2013-02-08. Review status: criteria provided, single submitter. Criteria: ACMG Guidelines, 2007. Collection method: clinical testing. Allele origin: germline. Inheritance: Autosomal recessive inheritance. Affected: yes.

Literature cited by the submitters: PubMed 27848944 (cited by 3billion and Labcorp Genetics (formerly Invitae), Labcorp); PubMed 16783378 (cited by Labcorp Genetics (formerly Invitae), Labcorp); PubMed 18570303 (cited by Labcorp Genetics (formerly Invitae), Labcorp); PubMed 18799783 (cited by Labcorp Genetics (formerly Invitae), Labcorp); PubMed 22213678 (cited by Labcorp Genetics (formerly Invitae), Labcorp).